The following is an entry in ClinVar:

ClinVar aggregate classification (germline): Likely benign (1 of 4 stars; one submission).

gnomAD v4.1: 19 of 1,610,618 alleles (0.0012%); highest among the groups gnomAD compares: South Asian, 0.0044%; no homozygotes.

Submission:

CeGaT Center for Human Genetics Tuebingen
Classification: Likely benign. Last evaluated: 2026-09-01. Review status: criteria provided, single submitter. Criteria: CeGaT Center For Human Genetics Tuebingen Variant Classification Criteria Version 2. Collection method: clinical testing. Allele origin: germline. Affected: yes. Observed: 1 variant allele.
Comment: ATP10A: BP4, BP7

NM_024490.4(ATP10A):c.3993G>A (p.Pro1331=)

Gene: ATP10A (ATPase phospholipid transporting 10A (putative); minus strand). Cytogenetic location: 15q12.
Variant type: single nucleotide variant.
Coding change: c.3993G>A on transcript NM_024490.4 (MANE Select); coding-DNA position 3993, G replaced by A.
Protein change: p.Pro1331=; no amino-acid change (proline 1331 retained).
Molecular consequence: synonymous variant.
Genome position (GRCh38, 1-based): chr15:25,679,848, C>T on the plus strand (G>A on the coding strand, the complement: ATP10A is on the minus strand). VCF-style: chr15-25679848-C-T. GRCh37 (hg19) VCF-style: chr15-25924995-C-T.
Identifiers: ClinVar variation 5040915 (VCV005040915.1).